The following is an entry in ClinVar:

ClinVar aggregate classification (germline): Uncertain significance. Review status: criteria provided, multiple submitters, no conflicts (2 of 4 stars). 6 submissions from 6 submitters: Uncertain significance (6). Last evaluated 2024-07-20.

Conditions:
Malignant hyperthermia, susceptibility to, 1 (MHS1). Also called: RYR1-Related Malignant Hyperthermia Susceptibility; Anesthesia related hyperthermia; Malignant hyperpyrexia; Fulminating hyperpyrexia; Pharmacogenic myopathy; Malignant hyperthermia suceptibility 1. Identifiers: Orphanet 423, MedGen C2930980, MONDO:0007783, OMIM 145600.
RYR1-related disorder. Also called: RYR1-related condition; RYR1-related disorders. Identifiers: MedGen CN239331.

Allele frequency attached by ClinVar (database versions not stated): gnomAD exomes below 0.00001; TOPMed below 0.00001; gnomAD 0.00001.
gnomAD v4.1: 8 of 1,613,932 alleles (0.0005%); highest among the groups gnomAD compares: Non-Finnish European, 0.00068%; no homozygotes.

Submissions (6):

All of Us Research Program, National Institutes of Health
Classification: Uncertain significance for Malignant hyperthermia, susceptibility to, 1. Last evaluated: 2024-07-20. Review status: criteria provided, single submitter. Criteria: ACMG Guidelines, 2015. Collection method: clinical testing. Allele origin: germline. Inheritance: Autosomal dominant inheritance. Observed: 1 variant allele, 1 heterozygote.
Comment: This missense variant replaces methionine with valine at codon 3276 of the RYR1 protein. Computational prediction is inconclusive regarding the impact of this variant on protein structure and function (internally defined REVEL score threshold 0.5 < inconclusive < 0.7, PMID: 27666373). To our knowledge, functional studies have not been reported for this variant. This variant has not been reported in individuals affected with RYR1-related disorders in the literature. This variant has not been identified in the general population by the Genome Aggregation Database (gnomAD). The available evidence is insufficient to determine the role of this variant in disease conclusively. Therefore, this variant is classified as a Variant of Uncertain Significance.

This study involves interpretation of variants in research participants for the purpose of population health screening. Participant phenotype was not available at the time of variant classification. Additional details can be found in publication PMID: 35346344, PMCID: PMC8962531

Color Diagnostics, LLC DBA Color Health
Classification: Uncertain significance for Malignant hyperthermia, susceptibility to, 1. Last evaluated: 2024-07-10. Review status: criteria provided, single submitter. Criteria: ACMG Guidelines, 2015. Collection method: clinical testing. Allele origin: germline.
Comment: This missense variant replaces methionine with valine at codon 3276 of the RYR1 protein. Computational prediction is inconclusive regarding the impact of this variant on protein structure and function. To our knowledge, functional studies have not been reported for this variant. This variant has not been reported in individuals affected with RYR1-related disorders in the literature. This variant has not been identified in the general population by the Genome Aggregation Database (gnomAD). The available evidence is insufficient to determine the role of this variant in disease conclusively. Therefore, this variant is classified as a Variant of Uncertain Significance.

Labcorp Genetics (formerly Invitae), Labcorp
Classification: Uncertain significance for RYR1-related disorder. Last evaluated: 2024-07-08. Review status: criteria provided, single submitter. Criteria: Invitae Variant Classification Sherloc (09022015). Collection method: clinical testing. Allele origin: germline.
Comment: This sequence change replaces methionine, which is neutral and non-polar, with valine, which is neutral and non-polar, at codon 3276 of the RYR1 protein (p.Met3276Val). This variant is not present in population databases (gnomAD no frequency). This variant has not been reported in the literature in individuals affected with RYR1-related conditions. ClinVar contains an entry for this variant (Variation ID: 566500). Advanced modeling of protein sequence and biophysical properties (such as structural, functional, and spatial information, amino acid conservation, physicochemical variation, residue mobility, and thermodynamic stability) has been performed at Invitae for this missense variant, however the output from this modeling did not meet the statistical confidence thresholds required to predict the impact of this variant on RYR1 protein function. In summary, the available evidence is currently insufficient to determine the role of this variant in disease. Therefore, it has been classified as a Variant of Uncertain Significance.

PreventionGenetics, part of Exact Sciences
Classification: Uncertain significance for RYR1-related condition. Last evaluated: 2023-07-11. Review status: criteria provided, single submitter. Criteria: ACMG Guidelines, 2015. Collection method: clinical testing. Allele origin: germline.
Comment: The RYR1 c.9826A>G variant is predicted to result in the amino acid substitution p.Met3276Val. To our knowledge, this variant has not been reported in the literature or in a large population database, indicating this variant is rare. At this time, the clinical significance of this variant is uncertain due to the absence of conclusive functional and genetic evidence.

Revvity Omics, Revvity
Classification: Uncertain significance. Last evaluated: 2023-03-20. Review status: criteria provided, single submitter. Criteria: ACMG Guidelines, 2015. Collection method: clinical testing. Allele origin: germline.

GeneDx
Classification: Uncertain significance. Last evaluated: 2022-09-23. Review status: criteria provided, single submitter. Criteria: GeneDx Variant Classification Process June 2021. Collection method: clinical testing. Allele origin: germline. Affected: yes.
Comment: Not observed at significant frequency in large population cohorts (gnomAD); In silico analysis supports that this missense variant has a deleterious effect on protein structure/function; Has not been previously published as pathogenic or benign to our knowledge

NM_000540.3(RYR1):c.9826A>G (p.Met3276Val)

Gene: RYR1 (ryanodine receptor 1; plus strand). Cytogenetic location: 19q13.2.
Variant type: single nucleotide variant.
Coding change: c.9826A>G on transcript NM_000540.3 (MANE Select); coding-DNA position 9826, A replaced by G.
Protein change: p.Met3276Val; replaces methionine 3276 with valine.
Molecular consequence: missense variant.
Genome position (GRCh38, 1-based): chr19:38,517,499, A>G. VCF-style: chr19-38517499-A-G. GRCh37 (hg19) VCF-style: chr19-39008139-A-G.
Other names: c.9826A>G, p.Met3276Val (NM_001042723.2); short protein forms M3276V.
Identifiers: ClinVar variation 566500 (VCV000566500.15), dbSNP rs1568528315, ClinGen allele CA405692185.
Genomic context (GRCh38, chr19:38,517,499, plus strand): 5'-CTGGCCGAGTCAGGTGCCCGCTACACAGAGATGCCGCATGTCATCGAGATCACGCTGCCC[A>G]TGCTATGCAGCTACCTGCCCCGATGGTGGGAGCGCGGGCCCGAGGCACCCCCTTCCGCCC-3'
Protein context (NP_000531.2, residues 3266-3286): MPHVIEITLP[Met3276Val]LCSYLPRWWE